The following is an entry in ClinVar:

NM_052989.3(IFT122):c.348T>C (p.Phe116=)

Gene: IFT122 (intraflagellar transport 122; plus strand). Cytogenetic location: 3q21.3.
Variant type: single nucleotide variant.
Coding change: c.348T>C on transcript NM_052989.3 (MANE Select); coding-DNA position 348, T replaced by C.
Protein change: p.Phe116=; no amino-acid change (phenylalanine 116 retained).
Molecular consequence: synonymous variant. On other transcripts: 5 prime UTR variant (2), intron variant (3).
Genome position (GRCh38, 1-based): chr3:129,461,303, T>C. VCF-style: chr3-129461303-T-C. GRCh37 (hg19) VCF-style: chr3-129180146-T-C.
Other names: c.501T>C, p.Phe167= (NM_001280541.2, NM_052985.4); c.-103T>C (NM_001280545.2, NM_001280546.2); c.348T>C, p.Phe116= (NM_001410808.1, NM_001410809.1, NM_001410810.1 and 3 more transcripts); c.194-2257T>C (NM_052990.3, NM_001410815.1, NM_001410817.1).
Identifiers: ClinVar variation 2097657 (VCV002097657.1), dbSNP rs144031572, ClinGen allele CA2605837.

ClinVar aggregate classification (germline): Uncertain significance (1 of 4 stars; one submission).

Conditions:
Cranioectodermal dysplasia 1 (CED1). Also called: LEVIN SYNDROME I. Identifiers: Orphanet 1515, MedGen C0432235, MONDO:0021093, OMIM 218330.

Allele frequency attached by ClinVar (database versions not stated): ExAC 0.00013; TOPMed 0.00015; gnomAD 0.00017; gnomAD exomes 0.00022; ESP Exome Variant Server 0.00046; 1000 Genomes Project 0.00080; 1000 Genomes Project 30x 0.00094.
gnomAD v4.1: 331 of 1,608,378 alleles (0.021%); highest among the groups gnomAD compares: Non-Finnish European, 0.028%; no homozygotes.

Submission:

Labcorp Genetics (formerly Invitae), Labcorp
Classification: Uncertain significance for Cranioectodermal dysplasia 1. Last evaluated: 2022-08-05. Review status: criteria provided, single submitter. Criteria: Invitae Variant Classification Sherloc (09022015). Collection method: clinical testing. Allele origin: germline.
Comment: This sequence change affects codon 167 of the IFT122 mRNA. It is a 'silent' change, meaning that it does not change the encoded amino acid sequence of the IFT122 protein. It affects a nucleotide within the consensus splice site. This variant is present in population databases (rs144031572, gnomAD 0.03%). This variant has not been reported in the literature in individuals affected with IFT122-related conditions. Algorithms developed to predict the effect of sequence changes on RNA splicing suggest that this variant is not likely to affect RNA splicing. In summary, the available evidence is currently insufficient to determine the role of this variant in disease. Therefore, it has been classified as a Variant of Uncertain Significance.